The following is an entry in ClinVar:

NM_000256.3(MYBPC3):c.154A>T (p.Ser52Cys)

Gene: MYBPC3 (myosin binding protein C3; minus strand). Cytogenetic location: 11p11.2.
Variant type: single nucleotide variant.
Coding change: c.154A>T on transcript NM_000256.3 (MANE Select); coding-DNA position 154, A replaced by T.
Protein change: p.Ser52Cys; replaces serine 52 with cysteine.
Molecular consequence: missense variant.
Genome position (GRCh38, 1-based): chr11:47,351,377, T>A on the plus strand (A>T on the coding strand, the complement: MYBPC3 is on the minus strand). VCF-style: chr11-47351377-T-A. GRCh37 (hg19) VCF-style: chr11-47372928-T-A.
Other names: short protein forms S52C.
Identifiers: ClinVar variation 841880 (VCV000841880.12), dbSNP rs2095900771, ClinGen allele CA380341822.

ClinVar aggregate classification (germline): Uncertain significance. Review status: criteria provided, multiple submitters, no conflicts (2 of 4 stars). 3 submissions from 3 submitters: Uncertain significance (3). Last evaluated 2025-07-31.

Conditions:
Cardiovascular phenotype. Identifiers: MedGen CN230736.
Hypertrophic cardiomyopathy. Also called: HYPERTROPHIC MYOCARDIOPATHY. Identifiers: Orphanet 217569, MedGen C0007194, MeSH D002312, MONDO:0005045, HP:0001639.

Submissions (3):

Ambry Genetics
Classification: Uncertain significance for Cardiovascular phenotype. Last evaluated: 2025-07-31. Review status: criteria provided, single submitter. Criteria: Ambry Variant Classification Scheme 2023. Collection method: clinical testing. Allele origin: germline.
Comment: The p.S52C variant (also known as c.154A>T), located in coding exon 2 of the MYBPC3 gene, results from an A to T substitution at nucleotide position 154. The serine at codon 52 is replaced by cysteine, an amino acid with dissimilar properties. This amino acid position is conserved. In addition, this alteration is predicted to be tolerated by in silico analysis. Based on the available evidence, the clinical significance of this variant remains unclear.

Labcorp Genetics (formerly Invitae), Labcorp
Classification: Uncertain significance for Hypertrophic cardiomyopathy. Last evaluated: 2020-01-15. Review status: criteria provided, single submitter. Criteria: Invitae Variant Classification Sherloc (09022015). Collection method: clinical testing. Allele origin: germline.
Comment: This sequence change replaces serine with cysteine at codon 52 of the MYBPC3 protein (p.Ser52Cys). The serine residue is moderately conserved and there is a moderate physicochemical difference between serine and cysteine. In summary, the available evidence is currently insufficient to determine the role of this variant in disease. Therefore, it has been classified as a Variant of Uncertain Significance. Algorithms developed to predict the effect of missense changes on protein structure and function (SIFT, PolyPhen-2, Align-GVGD) all suggest that this variant is likely to be disruptive, but these predictions have not been confirmed by published functional studies and their clinical significance is uncertain. This variant has not been reported in the literature in individuals with MYBPC3-related conditions. This variant is not present in population databases (ExAC no frequency).

GeneDx
Classification: Uncertain significance. Last evaluated: 2019-05-17. Review status: criteria provided, single submitter. Criteria: GeneDx Variant Classification Process June 2021. Collection method: clinical testing. Allele origin: germline. Affected: yes.
Comment: Has not been previously published as pathogenic or benign to our knowledge; Not observed in large population cohorts (Lek et al., 2016); In silico analysis, which includes protein predictors and evolutionary conservation, supports that this variant does not alter protein structure/function